The following is an entry in ClinVar:

ClinVar aggregate classification (germline): Uncertain significance (1 of 4 stars; one submission).

Conditions:
CHARGE syndrome (CHARGE). Also called: Hittner Hirsch Kreh syndrome; CHARGE ASSOCIATION--COLOBOMA, HEART ANOMALY, CHOANAL ATRESIA, RETARDATION, GENITAL AND EAR ANOMALIES; Coloboma, heart anomaly, choanal atresia, retardation, genital and ear anomalies; CHARGE association; Hall-Hittner syndrome. Identifiers: Orphanet 138, MedGen C0265354, MONDO:0008965.

Submission:

Labcorp Genetics (formerly Invitae), Labcorp
Classification: Uncertain significance for CHARGE syndrome. Last evaluated: 2024-11-08. Review status: criteria provided, single submitter. Criteria: Invitae Variant Classification Sherloc (09022015). Collection method: clinical testing. Allele origin: germline.
Comment: This sequence change replaces aspartic acid, which is acidic and polar, with glycine, which is neutral and non-polar, at codon 84 of the CHD7 protein (p.Asp84Gly). This variant is not present in population databases (gnomAD no frequency). This variant has not been reported in the literature in individuals affected with CHD7-related conditions. Invitae Evidence Modeling of protein sequence and biophysical properties (such as structural, functional, and spatial information, amino acid conservation, physicochemical variation, residue mobility, and thermodynamic stability) indicates that this missense variant is not expected to disrupt CHD7 protein function with a negative predictive value of 95%. In summary, the available evidence is currently insufficient to determine the role of this variant in disease. Therefore, it has been classified as a Variant of Uncertain Significance.

NM_017780.4(CHD7):c.251A>G (p.Asp84Gly)

Gene: CHD7 (chromodomain helicase DNA binding protein 7; plus strand). Cytogenetic location: 8q12.2.
Variant type: single nucleotide variant.
Coding change: c.251A>G on transcript NM_017780.4 (MANE Select); coding-DNA position 251, A replaced by G.
Protein change: p.Asp84Gly; replaces aspartic acid 84 with glycine.
Molecular consequence: missense variant.
Genome position (GRCh38, 1-based): chr8:60,741,683, A>G. VCF-style: chr8-60741683-A-G. GRCh37 (hg19) VCF-style: chr8-61654242-A-G.
Other names: c.251A>G, p.Asp84Gly (NM_001316690.1); short protein forms D84G.
Identifiers: ClinVar variation 3689053 (VCV003689053.2).
Genomic context (GRCh38, chr8:60,741,683, plus strand): 5'-CAAAGCTGACACATTTTGATCACTATAATCAGTATGAACAACAAAAGATGCATCTGATGG[A>G]TCAGCCGAACAGAATGATGAGCAACACCCCTGGGAACGGACTCGCGTCTCCGCACTCGCA-3'
Protein context (NP_060250.2, residues 74-94): QYEQQKMHLM[Asp84Gly]QPNRMMSNTP